The following is an entry in ClinVar:

ClinVar aggregate classification (germline): Benign/Likely benign. Review status: criteria provided, multiple submitters, no conflicts (2 of 4 stars). 5 submissions from 5 submitters: Benign (2); Likely benign (3). Last evaluated 2026-01-28.

Conditions:
TRAPPC9-related disorder. Also called: TRAPPC9-related condition.
Inborn genetic diseases. Identifiers: MedGen C0950123, MeSH D030342.

Allele frequency attached by ClinVar (database versions not stated): gnomAD exomes 0.00019 and 0.00052; ExAC 0.00087; ESP Exome Variant Server 0.00162; gnomAD 0.00172 and 0.00187; 1000 Genomes Project 30x 0.00187; 1000 Genomes Project 0.00200; TOPMed 0.00206.
gnomAD v4.1: 568 of 1,591,678 alleles (0.036%); highest among the groups gnomAD compares: African/African-American, 0.56%; no homozygotes.

Submissions (5):

Labcorp Genetics (formerly Invitae), Labcorp
Classification: Benign. Last evaluated: 2026-01-28. Review status: criteria provided, single submitter. Criteria: Invitae Variant Classification Sherloc (09022015). Collection method: clinical testing. Allele origin: germline.

PreventionGenetics, part of Exact Sciences
Classification: Likely benign for TRAPPC9-related condition. Last evaluated: 2025-02-13. Review status: criteria provided, single submitter. Criteria: ACMG Guidelines, 2015. Collection method: clinical testing. Allele origin: germline.
Comment: This variant is classified as likely benign based on ACMG/AMP sequence variant interpretation guidelines (Richards et al. 2015 PMID: 25741868, with internal and published modifications).

Ambry Genetics
Classification: Likely benign for Inborn genetic diseases. Last evaluated: 2016-12-01. Review status: criteria provided, single submitter. Criteria: Ambry Variant Classification Scheme 2023. Collection method: clinical testing. Allele origin: germline.

Genetic Services Laboratory, University of Chicago
Classification: Benign. Last evaluated: 2015-10-15. Review status: criteria provided, single submitter. Criteria: ACMG Guidelines, 2015. Collection method: clinical testing. Allele origin: germline. Affected: no.

Breakthrough Genomics
Classification: Likely benign. Review status: criteria provided, single submitter. Criteria: ACMG Guidelines, 2015. Collection method: not provided. Allele origin: germline. Inheritance: Autosomal recessive inheritance. Affected: yes.

NM_001160372.4(TRAPPC9):c.3069C>T (p.Asp1023=)

Gene: TRAPPC9 (trafficking protein particle complex subunit 9; minus strand). Cytogenetic location: 8q24.3.
Variant type: single nucleotide variant.
Coding change: c.3069C>T on transcript NM_001160372.4 (MANE Select); coding-DNA position 3069, C replaced by T.
Protein change: p.Asp1023=; no amino-acid change (aspartic acid 1023 retained).
Molecular consequence: synonymous variant. On other transcripts: non-coding transcript variant (1).
Genome position (GRCh38, 1-based): chr8:139,732,189, G>A on the plus strand (C>T on the coding strand, the complement: TRAPPC9 is on the minus strand). VCF-style: chr8-139732189-G-A. GRCh37 (hg19) VCF-style: chr8-140744432-G-A.
Other names: c.3042C>T, p.Asp1014= (NM_001321646.2); c.3090C>T, p.Asp1030= (NM_001374682.1); c.2958C>T, p.Asp986= (NM_001374683.1); c.2925C>T, p.Asp975= (NM_001374684.1); c.3069C>T, p.Asp1023= (NM_031466.8).
Identifiers: ClinVar variation 212429 (VCV000212429.21), dbSNP rs144383785, ClinGen allele CA208234.